The following is an entry in ClinVar:

ClinVar aggregate classification (germline): Uncertain significance. Review status: criteria provided, single submitter (1 of 4 stars). 2 submissions from 2 submitters: Uncertain significance (1). 1 of the submissions does not count toward it. Last evaluated 2022-08-02.

Conditions:
Fanconi anemia (FA). Also called: Fanconi's anemia. Identifiers: Orphanet 84, MedGen C0015625, MeSH D005199, MONDO:0019391.

Allele frequency attached by ClinVar (database versions not stated): TOPMed 0.00011; gnomAD 0.00001.
gnomAD v4.1: 14 of 1,613,828 alleles (0.00087%); highest among the groups gnomAD compares: East Asian, 0.027%; no homozygotes.

Submissions (2):

Labcorp Genetics (formerly Invitae), Labcorp
Classification: Uncertain significance for Fanconi anemia. Last evaluated: 2022-08-02. Review status: criteria provided, single submitter. Criteria: Invitae Variant Classification Sherloc (09022015). Collection method: clinical testing. Allele origin: germline.
Comment: This sequence change replaces glycine, which is neutral and non-polar, with alanine, which is neutral and non-polar, at codon 304 of the FANCA protein (p.Gly304Ala). This variant is present in population databases (rs745451374, gnomAD 0.02%). This variant has not been reported in the literature in individuals affected with FANCA-related conditions. ClinVar contains an entry for this variant (Variation ID: 971634). Advanced modeling of protein sequence and biophysical properties (such as structural, functional, and spatial information, amino acid conservation, physicochemical variation, residue mobility, and thermodynamic stability) performed at Invitae indicates that this missense variant is not expected to disrupt FANCA protein function. In summary, the available evidence is currently insufficient to determine the role of this variant in disease. Therefore, it has been classified as a Variant of Uncertain Significance.

Natera, Inc.
Classification: Uncertain significance for Fanconi anemia. Last evaluated: 2020-03-11. Review status: no assertion criteria provided. Collection method: clinical testing. Allele origin: germline. Not counted in ClinVar's aggregate classification.

NM_000135.4(FANCA):c.911G>C (p.Gly304Ala)

Gene: FANCA (FA complementation group A; minus strand). Cytogenetic location: 16q24.3.
Variant type: single nucleotide variant.
Coding change: c.911G>C on transcript NM_000135.4 (MANE Select); coding-DNA position 911, G replaced by C.
Protein change: p.Gly304Ala; replaces glycine 304 with alanine.
Molecular consequence: missense variant.
Genome position (GRCh38, 1-based): chr16:89,796,001, C>G on the plus strand (G>C on the coding strand, the complement: FANCA is on the minus strand). VCF-style: chr16-89796001-C-G. GRCh37 (hg19) VCF-style: chr16-89862409-C-G.
Other names: c.911G>C, p.Gly304Ala (NM_001286167.3); short protein forms G304A.
Identifiers: ClinVar variation 971634 (VCV000971634.6), dbSNP rs745451374, ClinGen allele CA8252633.